The following is an entry in ClinVar:

ClinVar aggregate classification (germline): Uncertain significance (1 of 4 stars; one submission).

Conditions:
Hereditary cancer-predisposing syndrome. Also called: Tumor predisposition; Neoplastic Syndromes, Hereditary; Hereditary Cancer Syndrome; Hereditary neoplastic syndrome. Identifiers: Orphanet 140162, MedGen C0027672, MeSH D009386, MONDO:0015356.

gnomAD v4.1: 1 of 1,613,160 alleles (0.000062%); highest among the groups gnomAD compares: Non-Finnish European, 0.000085%; no homozygotes.

Submission:

Ambry Genetics
Classification: Uncertain significance for Hereditary cancer-predisposing syndrome. Last evaluated: 2024-09-08. Review status: criteria provided, single submitter. Criteria: Ambry Variant Classification Scheme 2023. Collection method: clinical testing. Allele origin: germline.
Comment: The p.E158K variant (also known as c.472G>A), located in coding exon 4 of the CTNNA1 gene, results from a G to A substitution at nucleotide position 472. The glutamic acid at codon 158 is replaced by lysine, an amino acid with similar properties. This amino acid position is conserved. In addition, the in silico prediction for this alteration is inconclusive. Based on the available evidence, the clinical significance of this variant remains unclear.

NM_001903.5(CTNNA1):c.472G>A (p.Glu158Lys)

Gene: CTNNA1 (catenin alpha 1; plus strand). Cytogenetic location: 5q31.2.
Variant type: single nucleotide variant.
Coding change: c.472G>A on transcript NM_001903.5 (MANE Select); coding-DNA position 472, G replaced by A.
Protein change: p.Glu158Lys; replaces glutamic acid 158 with lysine.
Molecular consequence: missense variant.
Genome position (GRCh38, 1-based): chr5:138,812,186, G>A. VCF-style: chr5-138812186-G-A. GRCh37 (hg19) VCF-style: chr5-138147875-G-A.
Other names: c.472G>A, p.Glu158Lys (NM_001290307.3, NM_001323982.2, NM_001323983.1 and 3 more transcripts); c.163G>A, p.Glu55Lys (NM_001290309.3); c.103G>A, p.Glu35Lys (NM_001290310.3); short protein forms E158K, E35K, E55K.
Identifiers: ClinVar variation 3498242 (VCV003498242.1).
Genomic context (GRCh38, chr5:138,812,186, plus strand): 5'-TTCTTTACAGACCTACATTCAGAATTTTTGGGTTTTGGGGTCTTTCTTATTTTATAGGTG[G>A]AAGATGGTATCTTGAAGTTGAGGAATGCTGGCAATGAACAAGACTTAGGAATCCAGTATA-3'
Protein context (NP_001894.2, residues 148-168): YKLLVQLKVV[Glu158Lys]DGILKLRNAG